The following is an entry in ClinVar:

ClinVar aggregate classification (germline): Benign. Review status: criteria provided, single submitter (1 of 4 stars). 2 submissions from 2 submitters: Benign (1). 1 of the submissions does not count toward it. Last evaluated 2025-09-29.

Conditions:
TAF1-related disorder. Also called: TAF1-related condition.

Allele frequency attached by ClinVar (database versions not stated): ExAC 0.00013; gnomAD exomes 0.00009 and 0.00003; gnomAD 0.00025 and 0.00023; ESP Exome Variant Server 0.00057; 1000 Genomes Project 30x 0.00021; 1000 Genomes Project 0.00026; TOPMed 0.00042.
gnomAD v4.1: 55 of 1,210,445 alleles (0.0045%); highest among the groups gnomAD compares: African/African-American, 0.089%; no homozygotes.

Submissions (2):

Labcorp Genetics (formerly Invitae), Labcorp
Classification: Benign. Last evaluated: 2025-09-29. Review status: criteria provided, single submitter. Criteria: Invitae Variant Classification Sherloc (09022015). Collection method: clinical testing. Allele origin: germline.

PreventionGenetics, part of Exact Sciences
Classification: Likely benign for TAF1-related condition. Last evaluated: 2023-02-08. Review status: no assertion criteria provided. Collection method: clinical testing. Allele origin: germline. Not counted in ClinVar's aggregate classification.
Comment: This variant is classified as likely benign based on ACMG/AMP sequence variant interpretation guidelines (Richards et al. 2015 PMID: 25741868, with internal and published modifications).

NM_004606.5(TAF1):c.3828T>G (p.Thr1276=)

Gene: TAF1 (TATA-box binding protein associated factor 1; plus strand). Cytogenetic location: Xq13.1.
Variant type: single nucleotide variant.
Coding change: c.3828T>G on transcript NM_004606.5 (MANE Select); coding-DNA position 3828, T replaced by G.
Protein change: p.Thr1276=; no amino-acid change (threonine 1276 retained).
Molecular consequence: synonymous variant. On other transcripts: non-coding transcript variant (9).
Genome position (GRCh38, 1-based): chrX:71,401,569, T>G. VCF-style: chrX-71401569-T-G. GRCh37 (hg19) VCF-style: chrX-70621419-T-G.
Other names: c.3828T>G, p.Thr1276= (NM_001286074.2); c.3765T>G, p.Thr1255= (NM_138923.4); c.3888T>G (NM_001286074.1).
Identifiers: ClinVar variation 696620 (VCV000696620.8), dbSNP rs139204047, ClinGen allele CA10447082.